The following is an entry in ClinVar:

NM_001130987.2(DYSF):c.3741C>A (p.Tyr1247Ter)

Gene: DYSF (dysferlin; plus strand). Cytogenetic location: 2p13.2.
Variant type: single nucleotide variant.
Coding change: c.3741C>A on transcript NM_001130987.2 (MANE Select); coding-DNA position 3741, C replaced by A.
Protein change: p.Tyr1247Ter; replaces tyrosine 1247 with a stop codon.
Molecular consequence: nonsense.
Genome position (GRCh38, 1-based): chr2:71,598,730, C>A. VCF-style: chr2-71598730-C-A. GRCh37 (hg19) VCF-style: chr2-71825860-C-A.
Other names: c.3690C>A, p.Tyr1230Ter (NM_001130455.2, NM_001130983.2); c.3645C>A, p.Tyr1215Ter (NM_001130976.2, NM_001130977.2); c.3687C>A, p.Tyr1229Ter (NM_001130978.2, NM_003494.4); c.3780C>A, p.Tyr1260Ter (NM_001130979.2); c.3738C>A, p.Tyr1246Ter (NM_001130980.2, NM_001130981.2); c.3783C>A, p.Tyr1261Ter (NM_001130982.2); c.3648C>A, p.Tyr1216Ter (NM_001130984.2, NM_001130986.2); c.3741C>A, p.Tyr1247Ter (NM_001130985.2); short protein forms Y1229*, Y1247*, Y1215*, Y1260*, Y1216*, Y1246*, Y1230*, Y1261*.
Identifiers: ClinVar variation 575305 (VCV000575305.9), dbSNP rs375160101, ClinGen allele CA347224324.

ClinVar aggregate classification (germline): Pathogenic. Review status: criteria provided, multiple submitters, no conflicts (2 of 4 stars). 2 submissions from 2 submitters: Pathogenic (2). Last evaluated 2024-08-28.

Conditions:
Autosomal recessive limb-girdle muscular dystrophy type 2B (LGMDR2). Also called: Limb-Girdle Muscular Dystrophy Type 2B (LGMD2B); Limb-girdle muscular dystrophy, type 2B; MUSCULAR DYSTROPHY, LIMB-GIRDLE, TYPE 3; MUSCULAR DYSTROPHY, LIMB-GIRDLE, AUTOSOMAL RECESSIVE 2. Identifiers: Orphanet 268, MedGen C1850889, MONDO:0009676, OMIM 253601.
Neuromuscular disease caused by qualitative or quantitative defects of dysferlin. Also called: Qualitative or quantitative defects of dysferlin; Dysferlinopathy. Identifiers: Orphanet 207073, MedGen C2931687, MONDO:0016145.

Submissions (2):

Labcorp Genetics (formerly Invitae), Labcorp
Classification: Pathogenic for Neuromuscular disease caused by qualitative or quantitative defects of dysferlin. Last evaluated: 2024-08-28. Review status: criteria provided, single submitter. Criteria: Invitae Variant Classification Sherloc (09022015). Collection method: clinical testing. Allele origin: germline.
Comment: This sequence change creates a premature translational stop signal (p.Tyr1229*) in the DYSF gene. It is expected to result in an absent or disrupted protein product. Loss-of-function variants in DYSF are known to be pathogenic (PMID: 17698709, 20301480). This variant is not present in population databases (gnomAD no frequency). This premature translational stop signal has been observed in individual(s) with limb girdle muscular dystrophy (PMID: 18853459). ClinVar contains an entry for this variant (Variation ID: 575305). For these reasons, this variant has been classified as Pathogenic.

Natera, Inc.
Classification: Pathogenic for Limb-girdle muscular dystrophy type 2B. Last evaluated: 2024-05-09. Review status: criteria provided, single submitter. Criteria: Natera Variant Classification Schema (03/2026). Collection method: clinical testing. Allele origin: germline.
Comment: The c.3687C>A variant in DYSF is a nonsense variant predicted to introduce a stop codon at amino acid 1229. This variant is expected to result in nonsense mediated decay, truncation, or a dysfunctional protein product. This variant is rare in the general population with a frequency below the threshold expected for the associated phenotype(s). This variant has been observed in one or more individuals affected with the associated recessive disease, as either homozygous or compound heterozygous with a second variant (PMID: 33715265). Given the available evidence, this variant is classified as Pathogenic.

Literature cited by the submitters: PubMed 17698709 (cited by Labcorp Genetics (formerly Invitae), Labcorp); PubMed 20301480 (cited by Labcorp Genetics (formerly Invitae), Labcorp); PubMed 18853459 (cited by Labcorp Genetics (formerly Invitae), Labcorp); PubMed 33715265 (cited by Natera, Inc.).